The following is an entry in ClinVar:

ClinVar aggregate classification (germline): Uncertain significance (0 of 4 stars; one submission).

Conditions:
Prostate cancer. Also called: Malignant tumor of prostate. Identifiers: Orphanet 1331, MedGen C0376358, MONDO:0008315, HP:0012125.

Submission:

Science for Life laboratory,  Karolinska Institutet
Classification: Uncertain significance for Malignant tumor of prostate. Review status: no assertion criteria provided. Collection method: not provided. Allele origin: somatic.
Comment: TumorID:SWE-14
ClinVar note: Converted during submission from Unknown to Uncertain significance.

NM_001004470.3(ST8SIA6):c.344G>T (p.Trp115Leu)

Gene: ST8SIA6 (ST8 alpha-N-acetyl-neuraminide alpha-2,8-sialyltransferase 6; minus strand). Cytogenetic location: 10p12.33.
Variant type: single nucleotide variant.
Coding change: c.344G>T on transcript NM_001004470.3 (MANE Select); coding-DNA position 344, G replaced by T.
Protein change: p.Trp115Leu; replaces tryptophan 115 with leucine.
Molecular consequence: missense variant. On other transcripts: 5 prime UTR variant (1), non-coding transcript variant (1).
Genome position (GRCh38, 1-based): chr10:17,359,547, C>A on the plus strand (G>T on the coding strand, the complement: ST8SIA6 is on the minus strand). VCF-style: chr10-17359547-C-A. GRCh37 (hg19) VCF-style: chr10-17401546-C-A.
Other names: c.-110G>T (NM_001345961.2); short protein forms W115L.
Identifiers: ClinVar variation 161480 (VCV000161480.2), dbSNP rs193920832, ClinGen allele CA174112.